The following is an entry in ClinVar:

NM_018723.4(RBFOX1):c.515C>T (p.Ala172Val)

Gene: RBFOX1 (RNA binding fox-1 homolog 1; plus strand). Cytogenetic location: 16p13.3.
Variant type: single nucleotide variant.
Coding change: c.515C>T on transcript NM_018723.4 (MANE Select); coding-DNA position 515, C replaced by T.
Protein change: p.Ala172Val; replaces alanine 172 with valine.
Molecular consequence: missense variant.
Genome position (GRCh38, 1-based): chr16:7,595,595, C>T. VCF-style: chr16-7595595-C-T. GRCh37 (hg19) VCF-style: chr16-7645597-C-T.
Other names: c.515C>T, p.Ala172Val (NM_001142333.2, NM_001142334.2, NM_001364800.2); c.644C>T, p.Ala215Val (NM_001308117.1); c.575C>T, p.Ala192Val (NM_145891.3, NM_145892.3, NM_145893.3); short protein forms A172V, A192V, A215V.
Identifiers: ClinVar variation 423334 (VCV000423334.2), dbSNP rs1064796366, ClinGen allele CA16620272.
Genomic context (GRCh38, chr16:7,595,595, plus strand): 5'-CCTCCTGCATGCAGGGATTTGGTTTCGTAACTTTCGAAAATAGTGCCGATGCGGACAGGG[C>T]GAGGGAGAAATTACACGGCACCGTGGTAGAGGGCCGTAAAATCGAGGTGCATGTTCAAAA-3'
Protein context (NP_061193.2, residues 162-182): TFENSADADR[Ala172Val]REKLHGTVVE

ClinVar aggregate classification (germline): Uncertain significance (1 of 4 stars; one submission).

Submission:

GeneDx
Classification: Uncertain significance. Last evaluated: 2017-11-22. Review status: criteria provided, single submitter. Criteria: GeneDx Variant Classification (06012015). Collection method: clinical testing. Allele origin: germline. Affected: yes.
Comment: The c.575 C>T variant in the RBFOX1 gene has not been reported previously as a pathogenic variant nor as a benign variant, to our knowledge. The c.575 C>T variant is not observed in large population cohorts (Lek et al., 2016; 1000 Genomes Consortium et al., 2015; Exome Variant Server). In-silico splice prediction models predict that c.575 C>T may create a cryptic splice donor site in exon 5 that could supplant the natural splice donor site. However, in the absence of RNA/functional studies, the actual effect of the c.575 C>T change in this individual is unknown. If c.575 C>T does not alter splicing, it will result in the A192V missense change. The A192V variant is a conservative amino acid substitution, which is not likely to impact secondary protein structure as these residues share similar properties. However, this substitution occurs at a position that is conserved across species and in silico analysis predicts this variant is probably damaging to the protein structure/function. We interpret c.575 C>T as a variant of uncertain significance.